The following is an entry in ClinVar:

ClinVar aggregate classification (germline): Conflicting classifications of pathogenicity. Review status: criteria provided, conflicting classifications (1 of 4 stars). 2 submissions from 2 submitters: Uncertain significance (1); Benign (1). Last evaluated 2025-12-30.

Conditions:
Gorlin syndrome. Also called: Nevoid Basal Cell Carcinoma Syndrome; Basal cell nevus syndrome. Identifiers: Orphanet 377, MedGen C0004779, MONDO:0007187.
Hereditary cancer-predisposing syndrome. Also called: Tumor predisposition; Hereditary neoplastic syndrome; Neoplastic Syndromes, Hereditary; Hereditary Cancer Syndrome. Identifiers: Orphanet 140162, MedGen C0027672, MeSH D009386, MONDO:0015356.

Allele frequency attached by ClinVar (database versions not stated): ExAC 0.00002.

Submissions (2):

Labcorp Genetics (formerly Invitae), Labcorp
Classification: Benign for Gorlin syndrome. Last evaluated: 2025-12-30. Review status: criteria provided, single submitter. Criteria: Invitae Variant Classification Sherloc (09022015). Collection method: clinical testing. Allele origin: germline.

Ambry Genetics
Classification: Uncertain significance for Hereditary cancer-predisposing syndrome. Last evaluated: 2023-03-12. Review status: criteria provided, single submitter. Criteria: Ambry Variant Classification Scheme 2023. Collection method: clinical testing. Allele origin: germline.
Comment: The p.R47P variant (also known as c.140G>C), located in coding exon 1 of the PTCH1 gene, results from a G to C substitution at nucleotide position 140. The arginine at codon 47 is replaced by proline, an amino acid with dissimilar properties. This amino acid position is conserved. In addition, this alteration is predicted to be tolerated by in silico analysis. Since supporting evidence is limited at this time, the clinical significance of this alteration remains unclear.

NM_000264.5(PTCH1):c.140G>C (p.Arg47Pro)

Genes: PTCH1 (patched 1; minus strand), LOC130002133 (ATAC-STARR-seq lymphoblastoid silent region 20071; plus strand). Cytogenetic location: 9q22.32.
Variant type: single nucleotide variant.
Coding change: c.140G>C on transcript NM_000264.5 (MANE Select); coding-DNA position 140, G replaced by C.
Protein change: p.Arg47Pro; replaces arginine 47 with proline.
Molecular consequence: missense variant. On other transcripts: non-coding transcript variant (1), intron variant (3).
Genome position (GRCh38, 1-based): chr9:95,508,222, C>G on the plus strand (G>C on the coding strand, the complement: PTCH1 is on the minus strand). VCF-style: chr9-95508222-C-G. GRCh37 (hg19) VCF-style: chr9-98270504-C-G.
Other names: c.140G>C, p.Arg47Pro (NM_001354918.2); c.199-1623G>C (NM_001083603.3); c.4-1623G>C (NM_001083602.3, NM_001354919.2); short protein forms R47P.
Identifiers: ClinVar variation 2497335 (VCV002497335.5), dbSNP rs775408408, ClinGen allele CA5139038.